The following is an entry in ClinVar:

ClinVar aggregate classification (germline): Uncertain significance (1 of 4 stars; one submission).

Allele frequency attached by ClinVar (database versions not stated): gnomAD 0.00001; gnomAD exomes 0.00001 and 0.00005; TOPMed 0.00002.
gnomAD v4.1: 15 of 1,601,544 alleles (0.00094%); highest among the groups gnomAD compares: Admixed American, 0.021%; no homozygotes.

Submission:

Labcorp Genetics (formerly Invitae), Labcorp
Classification: Uncertain significance. Last evaluated: 2025-09-15. Review status: criteria provided, single submitter. Criteria: Invitae Variant Classification Sherloc (09022015). Collection method: clinical testing. Allele origin: germline.
Comment: This sequence change replaces serine, which is neutral and polar, with proline, which is neutral and non-polar, at codon 904 of the GPR179 protein (p.Ser904Pro). This variant is present in population databases (rs760176632, gnomAD 0.03%). This variant has not been reported in the literature in individuals affected with GPR179-related conditions. ClinVar contains an entry for this variant (Variation ID: 1486420). An algorithm developed to predict the effect of missense changes on protein structure and function (PolyPhen-2) suggests that this variant is likely to be disruptive. In summary, the available evidence is currently insufficient to determine the role of this variant in disease. Therefore, it has been classified as a Variant of Uncertain Significance.

NM_001004334.4(GPR179):c.2710T>C (p.Ser904Pro)

Gene: GPR179 (G protein-coupled receptor 179; minus strand). Cytogenetic location: 17q12.
Variant type: single nucleotide variant.
Coding change: c.2710T>C on transcript NM_001004334.4 (MANE Select); coding-DNA position 2710, T replaced by C.
Protein change: p.Ser904Pro; replaces serine 904 with proline.
Molecular consequence: missense variant.
Genome position (GRCh38, 1-based): chr17:38,330,859, A>G on the plus strand (T>C on the coding strand, the complement: GPR179 is on the minus strand). VCF-style: chr17-38330859-A-G. GRCh37 (hg19) VCF-style: chr17-36486742-A-G.
Other names: short protein forms S904P.
Identifiers: ClinVar variation 1486420 (VCV001486420.5), dbSNP rs760176632, ClinGen allele CA290105613.